The following is an entry in ClinVar:

ClinVar aggregate classification (germline): Uncertain significance (1 of 4 stars; one submission).

Conditions:
Epidermolysis bullosa simplex 3, localized or generalized intermediate, with BP230 deficiency (EBS3). Also called: Epidermolysis bullosa simplex, autosomal recessive 2; Epidermolysis bullosa simplex due to BP230 deficiency. Identifiers: Orphanet 412181, MedGen C3809470, MONDO:0014180, OMIM 615425.
Hereditary sensory and autonomic neuropathy type 6. Also called: Neuropathy, hereditary sensory and autonomic, type VI; HSAN VI. Identifiers: Orphanet 314381, MedGen C3539003, MONDO:0013839, OMIM 614653.

Allele frequency attached by ClinVar (database versions not stated): TOPMed below 0.00001; gnomAD 0.00001.
gnomAD v4.1: 3 of 1,613,410 alleles (0.00019%); highest among the groups gnomAD compares: African/African-American, 0.0013%; no homozygotes.

Submission:

Labcorp Genetics (formerly Invitae), Labcorp
Classification: Uncertain significance for Epidermolysis bullosa simplex 3, localized or generalized intermediate, with BP230 deficiency; Hereditary sensory and autonomic neuropathy type 6. Last evaluated: 2020-05-04. Review status: criteria provided, single submitter. Criteria: Invitae Variant Classification Sherloc (09022015). Collection method: clinical testing. Allele origin: germline.
Comment: In summary, the available evidence is currently insufficient to determine the role of this variant in disease. Therefore, it has been classified as a Variant of Uncertain Significance. This sequence change replaces leucine with valine at codon 3809 of the DST protein (p.Leu3809Val). The leucine residue is moderately conserved and there is a small physicochemical difference between the two amino acids. The DST gene has multiple clinically relevant transcripts. This variant occurs in alternate transcript NM_015548.4, and corresponds to NM_001723.5:c.*108782C>G in the primary transcript. This variant is not present in population databases (ExAC no frequency). This variant has not been reported in the literature in individuals with DST-related conditions. Algorithms developed to predict the effect of missense changes on protein structure and function are either unavailable or do not agree on the potential impact of this missense change (SIFT: "Not Available"; PolyPhen-2: "Not Available"; Align-GVGD: "Not Available"). Algorithms developed to predict the effect of sequence changes on RNA splicing suggest that this variant may create or strengthen a splice site, but this prediction has not been confirmed by published transcriptional studies.

NM_001374736.1(DST):c.19294C>G (p.Leu6432Val)

Gene: DST (dystonin; minus strand). Cytogenetic location: 6p12.1.
Variant type: single nucleotide variant.
Coding change: c.19294C>G on transcript NM_001374736.1 (MANE Select); coding-DNA position 19294, C replaced by G.
Protein change: p.Leu6432Val; replaces leucine 6432 with valine.
Molecular consequence: missense variant.
Genome position (GRCh38, 1-based): chr6:56,506,735, G>C on the plus strand (C>G on the coding strand, the complement: DST is on the minus strand). VCF-style: chr6-56506735-G-C. GRCh37 (hg19) VCF-style: chr6-56371533-G-C.
Other names: c.12937C>G, p.Leu4313Val (NM_001144769.5); c.12523C>G, p.Leu4175Val (NM_001144770.2); c.19294C>G, p.Leu6432Val (NM_001374722.1); c.18334C>G, p.Leu6112Val (NM_001374729.1); c.12076C>G, p.Leu4026Val (NM_001374730.1); c.19321C>G, p.Leu6441Val (NM_001374734.1); c.12403C>G, p.Leu4135Val (NM_001386100.1, NM_183380.4); c.11425C>G, p.Leu3809Val (NM_015548.5); short protein forms L6112V, L6432V, L6441V, L3809V, L4135V, L4175V, L4026V, L4313V.
Identifiers: ClinVar variation 1044264 (VCV001044264.7), dbSNP rs1463615455, ClinGen allele CA364522827.
Genomic context (GRCh38, chr6:56,506,735, plus strand): 5'-TACTCTTCTTGACAATGGGTTTATCAGGCTCCCCACATGCCGCAATGAGTTCAGAACCTA[G>C]GTTAATAACTATATCCAGCTCCTCCTGTAGTCCATCTATTTCTTCCCTTATGGTCTAGAA-3'
Protein context (NP_001361665.1, residues 6422-6442): LQEELDIVIN[Leu6432Val]GSELIAACGE